The following is an entry in ClinVar:

NM_001276345.2(TNNT2):c.412-6_412-4del

Gene: TNNT2 (troponin T2, cardiac type; minus strand). Cytogenetic location: 1q32.1.
Variant type: Deletion.
Coding change: c.412-6_412-4del on transcript NM_001276345.2 (MANE Select); 6 bases into the intron before coding-DNA position 412 through 4 bases into the intron before coding-DNA position 412, 3 bases deleted (CCT; older notation c.412-6_412-4delCCT).
Molecular consequence: intron variant.
Genome position (GRCh38, 1-based): chr1:201,364,379-201,364,381, AGG deleted on the plus strand (CCT on the coding strand, the reverse complement: TNNT2 is on the minus strand); deleting any 3 consecutive bases within chr1:201,364,379-201,364,383 gives the same sequence; the c. name uses the placement nearest the transcript's 3' end. VCF-style (leftmost placement, unchanged base first): chr1-201364378-AAGG-A. GRCh37 (hg19) VCF-style: chr1-201333506-AAGG-A.
Other names: c.367-6_367-4del (NM_001001432.3); c.382-6_382-4del (NM_001001431.3, NM_001001430.3, NM_001276347.2); c.292-6_292-4del (NM_001276346.2); c.412-6_412-4del (NM_000364.4); c.382-6_382-4delCCT (NM_001001430.2, NM_001001430.1).
Identifiers: ClinVar variation 43635 (VCV000043635.23), dbSNP rs397516462, ClinGen allele CA132846.

ClinVar aggregate classification (germline): Benign/Likely benign. Review status: criteria provided, multiple submitters, no conflicts (2 of 4 stars). 10 submissions from 8 submitters: Benign (6); Likely benign (4). Last evaluated 2025-12-29.

Conditions:
Cardiovascular phenotype. Identifiers: MedGen CN230736.
Hypertrophic cardiomyopathy 2. Also called: TNNT2-Related Familial Hypertrophic Cardiomyopathy. Identifiers: MedGen C1861864, MONDO:0007266, OMIM 115195.
Dilated cardiomyopathy 1D. Identifiers: Orphanet 154, Orphanet 54260, MedGen C1832243, MONDO:0011095, OMIM 601494.
Cardiomyopathy, familial restrictive, 3. Identifiers: Orphanet 75249, MedGen C2676271, MONDO:0012900, OMIM 612422.
Cardiomyopathy (CMYO). Also called: Cardiomyopathies. Identifiers: Orphanet 167848, MedGen C0878544, MONDO:0004994, HP:0001638. Inheritance: Various modes of inheritance.

Submissions (10):

Labcorp Genetics (formerly Invitae), Labcorp
Classification: Likely benign for Cardiomyopathy, familial restrictive, 3; Hypertrophic cardiomyopathy 2; Dilated cardiomyopathy 1D. Last evaluated: 2025-12-29. Review status: criteria provided, single submitter. Criteria: Invitae Variant Classification Sherloc (09022015). Collection method: clinical testing. Allele origin: germline.

Blueprint Genetics
Classification: Likely benign. Last evaluated: 2024-07-25. Review status: criteria provided, single submitter. Criteria: ACMG Guidelines, 2015. Collection method: clinical testing. Allele origin: germline.

Women's Health and Genetics/Laboratory Corporation of America, LabCorp
Classification: Benign. Last evaluated: 2023-06-12. Review status: criteria provided, single submitter. Criteria: LabCorp Variant Classification Summary - May 2015. Collection method: clinical testing. Allele origin: germline.
Comment: Variant summary: TNNT2 c.382-6_382-4delCCT alters a nucleotide located close to a canonical splice site and therefore could affect mRNA splicing, leading to a significantly altered protein sequence. 4/4 computational tools predict no significant impact on normal splicing. However, these predictions have yet to be confirmed by functional studies. The variant allele was found at a frequency of 0.00012 in 249246 control chromosomes, predominantly at a frequency of 0.0016 within the East Asian subpopulation in the gnomAD database. The observed variant frequency within East Asian control individuals in the gnomAD database is approximately 9 fold of the estimated maximal expected allele frequency for a pathogenic variant in TNNT2 causing Cardiomyopathy phenotype (0.00018), strongly suggesting that the variant is a benign polymorphism found primarily in populations of East Asian origin. c.382-6_382-4delCCT has been reported in the literature in individuals affected with Cardiomyopathy (Lakdawala_2012 and Pugh_2014) without strong evidence for causality. These reports do not provide unequivocal conclusions about association of the variant with Cardiomyopathy. To our knowledge, no experimental evidence demonstrating an impact on protein function has been reported. The following publications have been ascertained in the context of this evaluation (PMID: 24503780, 22464770). Three clinical diagnostic laboratories have submitted clinical-significance assessments for this variant to ClinVar after 2014 without evidence for independent evaluation. All laboratories classified the variant as benign/likely benign. Based on the evidence outlined above, the variant was classified as benign.

Genome-Nilou Lab
Classification: Benign for Dilated cardiomyopathy 1D. Last evaluated: 2023-04-11. Review status: criteria provided, single submitter. Criteria: ACMG Guidelines, 2015. Collection method: clinical testing. Allele origin: germline. Affected: no.

Genome-Nilou Lab
Classification: Benign for Cardiomyopathy, familial restrictive, 3. Last evaluated: 2023-04-11. Review status: criteria provided, single submitter. Criteria: ACMG Guidelines, 2015. Collection method: clinical testing. Allele origin: germline. Affected: no.

Genome-Nilou Lab
Classification: Benign for Hypertrophic cardiomyopathy 2. Last evaluated: 2023-04-11. Review status: criteria provided, single submitter. Criteria: ACMG Guidelines, 2015. Collection method: clinical testing. Allele origin: germline. Affected: no.

CHEO Genetics Diagnostic Laboratory, Children's Hospital of Eastern Ontario
Classification: Benign for Cardiomyopathy. Last evaluated: 2020-10-21. Review status: criteria provided, single submitter. Criteria: ACMG Guidelines, 2015. Collection method: clinical testing. Allele origin: germline.

Ambry Genetics
Classification: Likely benign for Cardiovascular phenotype. Last evaluated: 2020-01-22. Review status: criteria provided, single submitter. Criteria: Ambry Variant Classification Scheme 2023. Collection method: clinical testing. Allele origin: germline.

Color Diagnostics, LLC DBA Color Health
Classification: Benign for Cardiomyopathy. Last evaluated: 2018-07-03. Review status: criteria provided, single submitter. Criteria: ACMG Guidelines, 2015. Collection method: clinical testing. Allele origin: germline.

Laboratory for Molecular Medicine, Mass General Brigham Personalized Medicine
Classification: Likely benign. Last evaluated: 2010-11-09. Review status: criteria provided, single submitter. Criteria: LMM Criteria. Collection method: clinical testing. Allele origin: germline. Observed: 2 variant alleles.
Comment: In silico tools do not predict an impact to the splicing consensus sequence. I n summary, this data suggests this variant is likely benign.

Literature cited by the submitters: PubMed 22464770 (cited by Women's Health and Genetics/Laboratory Corporation of America, LabCorp); PubMed 24503780 (cited by Women's Health and Genetics/Laboratory Corporation of America, LabCorp).